The following is an entry in ClinVar:

NM_003737.4(DCHS1):c.574C>T (p.Arg192Trp)

Gene: DCHS1 (dachsous cadherin-related 1; minus strand). Cytogenetic location: 11p15.4.
Variant type: single nucleotide variant.
Coding change: c.574C>T on transcript NM_003737.4 (MANE Select); coding-DNA position 574, C replaced by T.
Protein change: p.Arg192Trp; replaces arginine 192 with tryptophan.
Molecular consequence: missense variant.
Genome position (GRCh38, 1-based): chr11:6,641,040, G>A on the plus strand (C>T on the coding strand, the complement: DCHS1 is on the minus strand). VCF-style: chr11-6641040-G-A. GRCh37 (hg19) VCF-style: chr11-6662271-G-A.
Other names: short protein forms R192W.
Identifiers: ClinVar variation 2705236 (VCV002705236.3), dbSNP rs267603132, ClinGen allele CA5861129.
Genomic context (GRCh38, chr11:6,641,040, plus strand): 5'-CCCCAGTAACTACCAGCTCAGGTACTGGAGTCCCATCTGGACCGGGGCGTGTCTCCAGCC[G>A]GAAGGTCTCTCCAGCCCCATCACCAGATAGCGCATAGCCCTGGGTTCCCAGACGCCCAGC-3'
Protein context (NP_003728.1, residues 182-202): LSGDGAGETF[Arg192Trp]LETRPGPDGT

ClinVar aggregate classification (germline): Uncertain significance (1 of 4 stars; one submission).

Allele frequency attached by ClinVar (database versions not stated): gnomAD 0.00001; TOPMed 0.00001; ExAC 0.00002; gnomAD exomes 0.00002.

Submission:

Labcorp Genetics (formerly Invitae), Labcorp
Classification: Uncertain significance. Last evaluated: 2023-10-03. Review status: criteria provided, single submitter. Criteria: Invitae Variant Classification Sherloc (09022015). Collection method: clinical testing. Allele origin: germline.
Comment: This sequence change replaces arginine, which is basic and polar, with tryptophan, which is neutral and slightly polar, at codon 192 of the DCHS1 protein (p.Arg192Trp). This variant is present in population databases (rs267603132, gnomAD 0.01%). This variant has not been reported in the literature in individuals affected with DCHS1-related conditions. An algorithm developed to predict the effect of missense changes on protein structure and function (PolyPhen-2) suggests that this variant is likely to be disruptive. In summary, the available evidence is currently insufficient to determine the role of this variant in disease. Therefore, it has been classified as a Variant of Uncertain Significance.